The following is an entry in ClinVar:

ClinVar aggregate classification (germline): Likely benign. Review status: criteria provided, multiple submitters, no conflicts (2 of 4 stars). 3 submissions from 3 submitters: Likely benign (3). Last evaluated 2026-08-24.

Conditions:
NPHP1-related disorder. Also called: NPHP1-related condition; NPHP1-related disorders.
Nephronophthisis. Also called: Juvenile Nephronophthisis. Identifiers: Orphanet 655, MedGen C0687120, MONDO:0019005, HP:0000090.

Allele frequency attached by ClinVar (database versions not stated): gnomAD 0.00002 and 0.00005; gnomAD exomes 0.00018; ExAC 0.00024; 1000 Genomes Project 30x 0.00031; 1000 Genomes Project 0.00040.
gnomAD v4.1: 121 of 1,613,464 alleles (0.0075%); highest among the groups gnomAD compares: South Asian, 0.11%; 1 homozygote.

Submissions (3):

PreventionGenetics, part of Exact Sciences
Classification: Likely benign for NPHP1-related condition. Last evaluated: 2026-08-24. Review status: criteria provided, single submitter. Criteria: ACMG Guidelines, 2015. Collection method: clinical testing. Allele origin: germline.
Comment: This variant is classified as likely benign based on ACMG/AMP sequence variant interpretation guidelines (Richards et al. 2015 PMID: 25741868, with internal and published modifications).

Labcorp Genetics (formerly Invitae), Labcorp
Classification: Likely benign for Nephronophthisis. Last evaluated: 2025-11-06. Review status: criteria provided, single submitter. Criteria: Invitae Variant Classification Sherloc (09022015). Collection method: clinical testing. Allele origin: germline.

Blueprint Genetics
Classification: Likely benign. Last evaluated: 2024-06-11. Review status: criteria provided, single submitter. Criteria: ACMG Guidelines, 2015. Collection method: clinical testing. Allele origin: germline.

NM_001128178.3(NPHP1):c.459C>T (p.Thr153=)

Gene: NPHP1 (nephrocystin 1; minus strand). Cytogenetic location: 2q13.
Variant type: single nucleotide variant.
Coding change: c.459C>T on transcript NM_001128178.3 (MANE Select); coding-DNA position 459, C replaced by T.
Protein change: p.Thr153=; no amino-acid change (threonine 153 retained).
Molecular consequence: synonymous variant.
Genome position (GRCh38, 1-based): chr2:110,169,869, G>A on the plus strand (C>T on the coding strand, the complement: NPHP1 is on the minus strand). VCF-style: chr2-110169869-G-A. GRCh37 (hg19) VCF-style: chr2-110927446-G-A.
Other names: c.459C>T (NM_000272.3); c.459C>T, p.Thr153= (NM_000272.5, NM_001374256.1, NM_001374257.1 and 1 more transcripts); c.273C>T, p.Thr91= (NM_001128179.3).
Identifiers: ClinVar variation 1592122 (VCV001592122.10), dbSNP rs562594554, ClinGen allele CA1827388.